The following is an entry in ClinVar:

NM_000038.6(APC):c.7266T>A (p.Thr2422=)

Gene: APC (APC regulator of Wnt signaling pathway; plus strand). Cytogenetic location: 5q22.2.
Variant type: single nucleotide variant.
Coding change: c.7266T>A on transcript NM_000038.6 (MANE Select); coding-DNA position 7266, T replaced by A.
Protein change: p.Thr2422=; no amino-acid change (threonine 2422 retained).
Molecular consequence: synonymous variant.
Genome position (GRCh38, 1-based): chr5:112,842,860, T>A. VCF-style: chr5-112842860-T-A. GRCh37 (hg19) VCF-style: chr5-112178557-T-A.
Other names: c.7266T>A, p.Thr2422= (NM_001127510.3, NM_001354895.2); c.7212T>A, p.Thr2404= (NM_001127511.3); c.7320T>A, p.Thr2440= (NM_001354896.2); c.7296T>A, p.Thr2432= (NM_001354897.2); c.7191T>A, p.Thr2397= (NM_001354898.2); c.7182T>A, p.Thr2394= (NM_001354899.2); c.7143T>A, p.Thr2381= (NM_001354900.2); c.7089T>A, p.Thr2363= (NM_001354901.2); and 5 more.
Identifiers: ClinVar variation 490357 (VCV000490357.92), dbSNP rs554878484, ClinGen allele CA047442.

ClinVar aggregate classification (germline): Benign/Likely benign. Review status: criteria provided, multiple submitters, no conflicts (2 of 4 stars). 9 submissions from 9 submitters: Benign (2); Likely benign (7). Last evaluated 2026-06-14.

Conditions:
Familial adenomatous polyposis 1 (FAP1). Also called: FAMILIAL ADENOMATOUS POLYPOSIS 1, ATTENUATED; POLYPOSIS, ADENOMATOUS INTESTINAL. Identifiers: MedGen C2713442, MONDO:0021056, OMIM 175100. Disease mechanism: loss of function.
APC-related disorder. Also called: APC-related condition.
Classic or attenuated familial adenomatous polyposis. Identifiers: MedGen CN372698, MONDO:0021057.
Hereditary cancer-predisposing syndrome. Also called: Hereditary neoplastic syndrome; Neoplastic Syndromes, Hereditary; Hereditary Cancer Syndrome; Tumor predisposition. Identifiers: Orphanet 140162, MedGen C0027672, MeSH D009386, MONDO:0015356.

Allele frequency attached by ClinVar (database versions not stated): gnomAD below 0.00001 and 0.00001; 1000 Genomes Project 30x 0.00016; 1000 Genomes Project 0.00020.
gnomAD v4.1: 31 of 1,613,974 alleles (0.0019%); highest among the groups gnomAD compares: South Asian, 0.03%; no homozygotes.

Submissions (9):

PreventionGenetics, part of Exact Sciences
Classification: Likely benign for APC-related condition. Last evaluated: 2026-06-14. Review status: criteria provided, single submitter. Criteria: ACMG Guidelines, 2015. Collection method: clinical testing. Allele origin: germline.
Comment: This variant is classified as likely benign based on ACMG/AMP sequence variant interpretation guidelines (Richards et al. 2015 PMID: 25741868, with internal and published modifications).

Labcorp Genetics (formerly Invitae), Labcorp
Classification: Likely benign for Familial adenomatous polyposis 1. Last evaluated: 2025-10-27. Review status: criteria provided, single submitter. Criteria: Invitae Variant Classification Sherloc (09022015). Collection method: clinical testing. Allele origin: germline.

Myriad Genetics, Inc.
Classification: Benign for Familial adenomatous polyposis 1. Last evaluated: 2024-04-09. Review status: criteria provided, single submitter. Criteria: Myriad Autosomal Dominant, Autosomal Recessive and X-Linked Classification Criteria (2023). Collection method: clinical testing. Allele origin: unknown.
Comment: This variant is considered benign. This variant is a silent/synonymous amino acid change and it is not expected to impact splicing.

All of Us Research Program, National Institutes of Health
Classification: Likely benign for Classic or attenuated familial adenomatous polyposis. Last evaluated: 2023-12-01. Review status: criteria provided, single submitter. Criteria: ACMG Guidelines, 2015. Collection method: clinical testing. Allele origin: germline. Inheritance: Autosomal dominant inheritance. Observed: 2 variant alleles, 2 heterozygotes.
Comment: This study involves interpretation of variants in research participants for the purpose of population health screening. Participant phenotype was not available at the time of variant classification. Additional details can be found in publication PMID: 35346344, PMCID: PMC8962531

Ambry Genetics
Classification: Benign for Hereditary cancer-predisposing syndrome. Last evaluated: 2021-03-18. Review status: criteria provided, single submitter. Criteria: Ambry Variant Classification Scheme 2023. Collection method: clinical testing. Allele origin: germline.

CeGaT Center for Human Genetics Tuebingen
Classification: Likely benign. Last evaluated: 2020-05-01. Review status: criteria provided, single submitter. Criteria: CeGaT Center For Human Genetics Tuebingen Variant Classification Criteria Version 2. Collection method: clinical testing. Allele origin: germline. Affected: yes. Observed: 1 variant allele.

Blueprint Genetics
Classification: Likely benign. Last evaluated: 2020-01-07. Review status: criteria provided, single submitter. Criteria: ACMG Guidelines, 2015. Collection method: clinical testing. Allele origin: germline.

GeneDx
Classification: Likely benign. Last evaluated: 2019-05-22. Review status: criteria provided, single submitter. Criteria: GeneDx Variant Classification Process June 2021. Collection method: clinical testing. Allele origin: germline. Affected: yes.

Color Diagnostics, LLC DBA Color Health
Classification: Likely benign for Hereditary cancer-predisposing syndrome. Last evaluated: 2017-04-06. Review status: criteria provided, single submitter. Criteria: ACMG Guidelines, 2015. Collection method: clinical testing. Allele origin: germline.